The following is an entry in ClinVar:

NM_000124.4(ERCC6):c.1174G>T (p.Glu392Ter)

Genes: ERCC6 (ERCC excision repair 6, chromatin remodeling factor; minus strand), PGBD3 (piggyBac transposable element derived 3; minus strand). Cytogenetic location: 10q11.23.
Variant type: single nucleotide variant.
Coding change: c.1174G>T on transcript NM_000124.4 (MANE Select); coding-DNA position 1174, G replaced by T.
Protein change: p.Glu392Ter; replaces glutamic acid 392 with a stop codon.
Molecular consequence: nonsense. On other transcripts: 5 prime UTR variant (1).
Genome position (GRCh38, 1-based): chr10:49,524,256, C>A on the plus strand (G>T on the coding strand, the complement: ERCC6 is on the minus strand). VCF-style: chr10-49524256-C-A. GRCh37 (hg19) VCF-style: chr10-50732302-C-A.
Other names: c.1174G>T, p.Glu392Ter (NM_001277058.2, NM_001277059.2, NM_001346440.2); c.-231G>T (NM_170753.3); short protein forms E392*.
Identifiers: ClinVar variation 1726531 (VCV001726531.2), dbSNP rs1226553506, ClinGen allele CA376752604.
Genomic context (GRCh38, chr10:49,524,256, plus strand): 5'-TCCCGCCCTTGGGCAGAGGCTTCAGCTCATAGTCAGTACCATCTCCAGACAGGTCCGCCT[C>A]TGCCCCCTCCACCTCGTCATCTTCCTCCTCTTCCTCCTCCTCTGTGGGGAAATACTCAGA-3'

ClinVar aggregate classification (germline): Likely pathogenic (1 of 4 stars; one submission).

Conditions:
Cockayne syndrome type 2 (CSB). Also called: COCKAYNE SYNDROME B; Cockayne Syndrome, Type II. Identifiers: Orphanet 191, Orphanet 90322, MedGen C0751038, MONDO:0019570, OMIM 133540.

Submission:

Myriad Genetics, Inc.
Classification: Likely pathogenic for Cockayne syndrome type 2. Last evaluated: 2021-12-17. Review status: criteria provided, single submitter. Criteria: Myriad Women's Health Autosomal Recessive and X-Linked Classification Criteria (2021). Collection method: clinical testing. Allele origin: unknown.
Comment: NM_000124.2(ERCC6):c.1174G>T(E392*) is expected to be pathogenic in the context of ERCC6-related disorders. This variant is predicted to lead to an abnormal or absent protein product due to the creation of a premature termination codon in ERCC6, a gene where loss-of-function variants are known to be pathogenic. Please note: this variant was assessed in the context of healthy population screening.